The following is an entry in ClinVar:

ClinVar aggregate classification (germline): Uncertain significance. Review status: criteria provided, multiple submitters, no conflicts (2 of 4 stars). 2 submissions from 2 submitters: Uncertain significance (2). Last evaluated 2024-06-30.

Conditions:
Epilepsy, idiopathic generalized, susceptibility to, 11 (EIG11). Identifiers: Orphanet 307, MedGen C2750893, MONDO:0011875, OMIM 607628.
Familial hyperaldosteronism type II. Also called: FH II. Identifiers: Orphanet 404, MedGen C1854107, MONDO:0011576, OMIM 605635.
Leukoencephalopathy with mild cerebellar ataxia and white matter edema (LKPAT). Also called: Leukoencephalopathy with white matter edema; Brain white matter edema; CLCN2-Related Leukoencephalopathy; Leukoencephalopathy with ataxia. Identifiers: Orphanet 363540, MedGen C4554120, MONDO:0014292, OMIM 615651. Disease mechanism: loss of function.

Allele frequency attached by ClinVar (database versions not stated): gnomAD exomes below 0.00001; ExAC 0.00001.

Submissions (2):

Labcorp Genetics (formerly Invitae), Labcorp
Classification: Uncertain significance. Last evaluated: 2024-06-30. Review status: criteria provided, single submitter. Criteria: Invitae Variant Classification Sherloc (09022015). Collection method: clinical testing. Allele origin: germline.
Comment: This sequence change replaces threonine, which is neutral and polar, with proline, which is neutral and non-polar, at codon 169 of the CLCN2 protein (p.Thr169Pro). This variant is present in population databases (rs772634332, gnomAD 0.003%). This variant has not been reported in the literature in individuals affected with CLCN2-related conditions. Advanced modeling of protein sequence and biophysical properties (such as structural, functional, and spatial information, amino acid conservation, physicochemical variation, residue mobility, and thermodynamic stability) performed at Invitae indicates that this missense variant is expected to disrupt CLCN2 protein function with a positive predictive value of 80%. In summary, the available evidence is currently insufficient to determine the role of this variant in disease. Therefore, it has been classified as a Variant of Uncertain Significance.

Fulgent Genetics
Classification: Uncertain significance for Familial hyperaldosteronism type II; Epilepsy, idiopathic generalized, susceptibility to, 11; Leukoencephalopathy with mild cerebellar ataxia and white matter edema. Last evaluated: 2024-01-09. Review status: criteria provided, single submitter. Criteria: ACMG Guidelines, 2015. Collection method: clinical testing. Allele origin: germline.

NM_004366.6(CLCN2):c.505A>C (p.Thr169Pro)

Gene: CLCN2 (chloride voltage-gated channel 2; minus strand). Cytogenetic location: 3q27.1.
Variant type: single nucleotide variant.
Coding change: c.505A>C on transcript NM_004366.6 (MANE Select); coding-DNA position 505, A replaced by C.
Protein change: p.Thr169Pro; replaces threonine 169 with proline.
Molecular consequence: missense variant.
Genome position (GRCh38, 1-based): chr3:184,358,072, T>G on the plus strand (A>C on the coding strand, the complement: CLCN2 is on the minus strand). VCF-style: chr3-184358072-T-G. GRCh37 (hg19) VCF-style: chr3-184075860-T-G.
Other names: c.505A>C, p.Thr169Pro (NM_001171087.3, NM_001171089.3); c.373A>C, p.Thr125Pro (NM_001171088.3); short protein forms T169P, T125P.
Identifiers: ClinVar variation 2722935 (VCV002722935.4), dbSNP rs772634332, ClinGen allele CA2734472.